The following is an entry in ClinVar:

NM_000065.5(C6):c.71G>T (p.Cys24Phe)

Gene: C6 (complement C6; minus strand). Cytogenetic location: 5p13.1.
Variant type: single nucleotide variant.
Coding change: c.71G>T on transcript NM_000065.5 (MANE Select); coding-DNA position 71, G replaced by T.
Protein change: p.Cys24Phe; replaces cysteine 24 with phenylalanine.
Molecular consequence: missense variant.
Genome position (GRCh38, 1-based): chr5:41,203,160, C>A on the plus strand (G>T on the coding strand, the complement: C6 is on the minus strand). VCF-style: chr5-41203160-C-A. GRCh37 (hg19) VCF-style: chr5-41203262-C-A.
Other names: c.71G>T, p.Cys24Phe (NM_001115131.4); short protein forms C24F.
Identifiers: ClinVar variation 2112145 (VCV002112145.4), dbSNP rs2479157481, ClinGen allele CA359605626.

ClinVar aggregate classification (germline): Uncertain significance (1 of 4 stars; one submission).

gnomAD v4.1: 2 of 1,614,074 alleles (0.00012%); highest among the groups gnomAD compares: Non-Finnish European, 0.00017%; no homozygotes.

Submission:

Labcorp Genetics (formerly Invitae), Labcorp
Classification: Uncertain significance. Last evaluated: 2022-03-14. Review status: criteria provided, single submitter. Criteria: Invitae Variant Classification Sherloc (09022015). Collection method: clinical testing. Allele origin: germline.
Comment: In summary, the available evidence is currently insufficient to determine the role of this variant in disease. Therefore, it has been classified as a Variant of Uncertain Significance. Algorithms developed to predict the effect of missense changes on protein structure and function are either unavailable or do not agree on the potential impact of this missense change (SIFT: "Deleterious"; PolyPhen-2: "Probably Damaging"; Align-GVGD: "Class C0"). This variant has not been reported in the literature in individuals affected with C6-related conditions. This variant is not present in population databases (gnomAD no frequency). This sequence change replaces cysteine, which is neutral and slightly polar, with phenylalanine, which is neutral and non-polar, at codon 24 of the C6 protein (p.Cys24Phe).